The following is an entry in ClinVar:

ClinVar aggregate classification (germline): Uncertain significance (1 of 4 stars; one submission).

Conditions:
Polyglucosan body myopathy type 1 (PGBM1). Also called: Polyglucosan body myopathy 1 with or without immunodeficiency; POLYGLUCOSAN BODY MYOPATHY WITHOUT IMMUNODEFICIENCY. Identifiers: Orphanet 329173, Orphanet 397937, MedGen C4014605, MONDO:0014389, OMIM 615895.

Allele frequency attached by ClinVar (database versions not stated): gnomAD exomes below 0.00001.
gnomAD v4.1: 3 of 1,613,780 alleles (0.00019%); highest among the groups gnomAD compares: Non-Finnish European, 0.00025%; no homozygotes.

Submission:

Labcorp Genetics (formerly Invitae), Labcorp
Classification: Uncertain significance for Polyglucosan body myopathy type 1. Last evaluated: 2021-09-16. Review status: criteria provided, single submitter. Criteria: Invitae Variant Classification Sherloc (09022015). Collection method: clinical testing. Allele origin: germline.
Comment: In summary, the available evidence is currently insufficient to determine the role of this variant in disease. Therefore, it has been classified as a Variant of Uncertain Significance. Algorithms developed to predict the effect of missense changes on protein structure and function output the following: SIFT: "Not Available"; PolyPhen-2: "Benign"; Align-GVGD: "Not Available". The alanine amino acid residue is found in multiple mammalian species, which suggests that this missense change does not adversely affect protein function. This variant has not been reported in the literature in individuals affected with RBCK1-related conditions. This variant is not present in population databases (ExAC no frequency). This sequence change replaces valine with alanine at codon 49 of the RBCK1 protein (p.Val49Ala). The valine residue is highly conserved and there is a small physicochemical difference between valine and alanine.

NM_031229.4(RBCK1):c.146T>C (p.Val49Ala)

Gene: RBCK1 (RANBP2-type and C3HC4-type zinc finger containing 1; plus strand). Cytogenetic location: 20p13.
Variant type: single nucleotide variant.
Coding change: c.146T>C on transcript NM_031229.4 (MANE Select); coding-DNA position 146, T replaced by C.
Protein change: p.Val49Ala; replaces valine 49 with alanine.
Molecular consequence: missense variant. On other transcripts: 5 prime UTR variant (1), non-coding transcript variant (1), intron variant (2).
Genome position (GRCh38, 1-based): chr20:410,004, T>C. VCF-style: chr20-410004-T-C. GRCh37 (hg19) VCF-style: chr20-390648-T-C.
Other names: c.-204T>C (NM_001323956.2); c.146T>C, p.Val49Ala (NM_001323960.2); c.41+1225T>C (NM_006462.6); c.-183+1225T>C (NM_001323958.2); short protein forms V49A.
Identifiers: ClinVar variation 964425 (VCV000964425.7), dbSNP rs2015609266, ClinGen allele CA407944309.
Genomic context (GRCh38, chr20:410,004, plus strand): 5'-AGTGTGCCATCTGGCTGGCAGAGCAACGGGTGCCCCTGAGTGTGCAACTGAAGCCTGAGG[T>C]CTCCCCAACGCAGGACATCAGGTGAGGAGTGCATGGCTGGCCTGAACCCAAGGGACAGCA-3'
Protein context (NP_112506.2, residues 39-59): VPLSVQLKPE[Val49Ala]SPTQDIRLWV